The following is an entry in ClinVar:

ClinVar aggregate classification (germline): Uncertain significance (1 of 4 stars; one submission).

Conditions:
Intellectual disability, X-linked, with or without seizures, ARX-related. Also called: MENTAL RETARDATION, X-LINKED 29; MENTAL RETARDATION, X-LINKED 32; MENTAL RETARDATION, X-LINKED 33; MENTAL RETARDATION, X-LINKED 38; MENTAL RETARDATION, X-LINKED 43; MENTAL RETARDATION, X-LINKED 76. Identifiers: Orphanet 777, MedGen C0796244, MONDO:0010317, OMIM 300419.
Developmental and epileptic encephalopathy, 1 (DEE1). Also called: INFANTILE SPASM SYNDROME, X-LINKED 1; X-linked infantile spasms; West's syndrome; Tonic spasms with clustering, arrest of psychomotor development and hypsarrhythmia on EEG; X-Linked Infantile Spasm Syndrome; OHTAHARA SYNDROME, X-LINKED. Identifiers: MedGen C3463992, MONDO:0010632, OMIM 308350. Disease mechanism: loss of function.

Submission:

Labcorp Genetics (formerly Invitae), Labcorp
Classification: Uncertain significance for Developmental and epileptic encephalopathy, 1; Intellectual disability, X-linked, with or without seizures, ARX-related. Last evaluated: 2024-06-01. Review status: criteria provided, single submitter. Criteria: Invitae Variant Classification Sherloc (09022015). Collection method: clinical testing. Allele origin: germline.
Comment: This sequence change replaces proline, which is neutral and non-polar, with alanine, which is neutral and non-polar, at codon 184 of the ARX protein (p.Pro184Ala). The frequency data for this variant in the population databases is considered unreliable, as metrics indicate insufficient coverage at this position in the gnomAD database. This variant has not been reported in the literature in individuals affected with ARX-related conditions. Advanced modeling of protein sequence and biophysical properties (such as structural, functional, and spatial information, amino acid conservation, physicochemical variation, residue mobility, and thermodynamic stability) performed at Invitae indicates that this missense variant is not expected to disrupt ARX protein function with a negative predictive value of 95%. In summary, the available evidence is currently insufficient to determine the role of this variant in disease. Therefore, it has been classified as a Variant of Uncertain Significance.

NM_139058.3(ARX):c.550C>G (p.Pro184Ala)

Gene: ARX (aristaless related homeobox; minus strand). Cytogenetic location: Xp21.3.
Variant type: single nucleotide variant.
Coding change: c.550C>G on transcript NM_139058.3 (MANE Select); coding-DNA position 550, C replaced by G.
Protein change: p.Pro184Ala; replaces proline 184 with alanine.
Molecular consequence: missense variant.
Genome position (GRCh38, 1-based): chrX:25,013,445, G>C on the plus strand (C>G on the coding strand, the complement: ARX is on the minus strand). VCF-style: chrX-25013445-G-C. GRCh37 (hg19) VCF-style: chrX-25031562-G-C.
Other names: short protein forms P184A.
Identifiers: ClinVar variation 2952794 (VCV002952794.3), dbSNP rs1363594638, ClinGen allele CA412612931.